The following is an entry in ClinVar:

ClinVar aggregate classification (germline): Uncertain significance. Review status: criteria provided, multiple submitters, no conflicts (2 of 4 stars). 4 submissions from 4 submitters: Uncertain significance (4). Last evaluated 2025-07-07.

Conditions:
Rothmund-Thomson syndrome type 2 (RTS2). Identifiers: Orphanet 221016, MedGen C5203410, MONDO:0016369, OMIM 268400.
RECQL4-related disorder. Also called: RECQL4-related condition; RECQL4-related disorders.
Baller-Gerold syndrome (BGS). Also called: CRANIOSYNOSTOSIS WITH RADIAL DEFECTS. Identifiers: Orphanet 1225, MedGen C0265308, MONDO:0009039, OMIM 218600.

Allele frequency attached by ClinVar (database versions not stated): TOPMed below 0.00001; gnomAD 0.00001; gnomAD exomes 0.00001; ExAC 0.00002; 1000 Genomes Project 30x 0.00016; 1000 Genomes Project 0.00020.

Submissions (4):

Labcorp Genetics (formerly Invitae), Labcorp
Classification: Uncertain significance for Baller-Gerold syndrome. Last evaluated: 2025-07-07. Review status: criteria provided, single submitter. Criteria: Invitae Variant Classification Sherloc (09022015). Collection method: clinical testing. Allele origin: germline.
Comment: This sequence change replaces arginine, which is basic and polar, with histidine, which is basic and polar, at codon 1182 of the RECQL4 protein (p.Arg1182His). This variant is present in population databases (rs557256260, gnomAD 0.01%). This variant has not been reported in the literature in individuals affected with RECQL4-related conditions. ClinVar contains an entry for this variant (Variation ID: 648710). Invitae Evidence Modeling of protein sequence and biophysical properties (such as structural, functional, and spatial information, amino acid conservation, physicochemical variation, residue mobility, and thermodynamic stability) indicates that this missense variant is expected to disrupt RECQL4 protein function with a positive predictive value of 80%. In summary, the available evidence is currently insufficient to determine the role of this variant in disease. Therefore, it has been classified as a Variant of Uncertain Significance.

St. Jude Molecular Pathology, St. Jude Children's Research Hospital
Classification: Uncertain significance for Rothmund-Thomson syndrome type 2. Last evaluated: 2024-09-16. Review status: criteria provided, single submitter. Criteria: St. Jude Assertion Criteria 2020. Collection method: clinical testing. Allele origin: germline.
Comment: The RECQL4 c.3545G>A (p.Arg1182His) missense change has a maximum subpopulation frequency of 0.01% in gnomAD v2.1.1. In silico tools are inconclusive about a pathogenic or benign effect of this variant on protein function, and to our knowledge functional studies have not been performed. To our knowledge, this variant has not been reported in individuals with RECQL4-associated conditions. In summary, the evidence currently available is insufficient to determine the clinical significance of this variant. It has therefore been classified as of uncertain significance.

PreventionGenetics, part of Exact Sciences
Classification: Uncertain significance for RECQL4-related condition. Last evaluated: 2023-07-11. Review status: criteria provided, single submitter. Criteria: ACMG Guidelines, 2015. Collection method: clinical testing. Allele origin: germline.
Comment: The RECQL4 c.3545G>A variant is predicted to result in the amino acid substitution p.Arg1182His. To our knowledge, this variant has not been reported in the literature. This variant is reported in 0.011% of alleles in individuals of East Asian descent in gnomAD and has been interpreted as uncertain in ClinVar. At this time, the clinical significance of this variant is uncertain due to the absence of conclusive functional and genetic evidence.

Baylor Genetics
Classification: Uncertain significance for Rothmund-Thomson syndrome type 2. Last evaluated: 2019-07-05. Review status: criteria provided, single submitter. Criteria: ACMG Guidelines, 2015. Collection method: clinical testing. Allele origin: unknown. Affected: yes. Study: CSER-TexasKidsCanSeq.
Comment: This variant was determined to be of uncertain significance according to ACMG Guidelines, 2015 [PMID:25741868].

NM_004260.4(RECQL4):c.3545G>A (p.Arg1182His)

Gene: RECQL4 (RecQ like helicase 4; minus strand). Cytogenetic location: 8q24.3.
Variant type: single nucleotide variant.
Coding change: c.3545G>A on transcript NM_004260.4 (MANE Select); coding-DNA position 3545, G replaced by A.
Protein change: p.Arg1182His; replaces arginine 1182 with histidine.
Molecular consequence: missense variant.
Genome position (GRCh38, 1-based): chr8:144,511,513, C>T on the plus strand (G>A on the coding strand, the complement: RECQL4 is on the minus strand). VCF-style: chr8-144511513-C-T. GRCh37 (hg19) VCF-style: chr8-145736896-C-T.
Other names: short protein forms R1182H.
Identifiers: ClinVar variation 648710 (VCV000648710.11), dbSNP rs557256260, ClinGen allele CA4947651.